The following is an entry in ClinVar:

ClinVar aggregate classification (germline): Uncertain significance (1 of 4 stars; one submission).

Conditions:
Polyglucosan body myopathy type 1 (PGBM1). Also called: Polyglucosan body myopathy 1 with or without immunodeficiency; POLYGLUCOSAN BODY MYOPATHY WITHOUT IMMUNODEFICIENCY. Identifiers: Orphanet 329173, Orphanet 397937, MedGen C4014605, MONDO:0014389, OMIM 615895.

Submission:

Labcorp Genetics (formerly Invitae), Labcorp
Classification: Uncertain significance for Polyglucosan body myopathy type 1. Last evaluated: 2024-08-29. Review status: criteria provided, single submitter. Criteria: Invitae Variant Classification Sherloc (09022015). Collection method: clinical testing. Allele origin: germline.
Comment: This sequence change replaces threonine, which is neutral and polar, with isoleucine, which is neutral and non-polar, at codon 390 of the RBCK1 protein (p.Thr390Ile). This variant is not present in population databases (gnomAD no frequency). This variant has not been reported in the literature in individuals affected with RBCK1-related conditions. Invitae Evidence Modeling of protein sequence and biophysical properties (such as structural, functional, and spatial information, amino acid conservation, physicochemical variation, residue mobility, and thermodynamic stability) indicates that this missense variant is not expected to disrupt RBCK1 protein function with a negative predictive value of 80%. In summary, the available evidence is currently insufficient to determine the role of this variant in disease. Therefore, it has been classified as a Variant of Uncertain Significance.

NM_031229.4(RBCK1):c.1169C>T (p.Thr390Ile)

Gene: RBCK1 (RANBP2-type and C3HC4-type zinc finger containing 1; plus strand). Cytogenetic location: 20p13.
Variant type: single nucleotide variant.
Coding change: c.1169C>T on transcript NM_031229.4 (MANE Select); coding-DNA position 1169, C replaced by T.
Protein change: p.Thr390Ile; replaces threonine 390 with isoleucine.
Molecular consequence: missense variant. On other transcripts: non-coding transcript variant (1).
Genome position (GRCh38, 1-based): chr20:427,452, C>T. VCF-style: chr20-427452-C-T. GRCh37 (hg19) VCF-style: chr20-408096-C-T.
Other names: c.659C>T, p.Thr220Ile (NM_001323956.2, NM_001323958.2); c.1220C>T, p.Thr407Ile (NM_001410770.1); c.1043C>T, p.Thr348Ile (NM_006462.6); short protein forms T220I, T348I, T390I, T407I.
Identifiers: ClinVar variation 3615993 (VCV003615993.2).